The following is an entry in ClinVar:

ClinVar aggregate classification (germline): Likely pathogenic (1 of 4 stars; one submission).

Submission:

GeneDx
Classification: Likely pathogenic. Last evaluated: 2026-08-31. Review status: criteria provided, single submitter. Criteria: GeneDx Variant Classification Process June 2021. Collection method: clinical testing. Allele origin: germline.
Comment: Not observed at significant frequency in large population cohorts (gnomAD); In silico analysis supports that this missense variant has a deleterious effect on protein structure/function; Has not been previously published as pathogenic or benign to our knowledge

NM_139137.4(KCNC2):c.1046T>C (p.Val349Ala)

Gene: KCNC2 (potassium voltage-gated channel subfamily C member 2; minus strand). Cytogenetic location: 12q21.1.
Variant type: single nucleotide variant.
Coding change: c.1046T>C on transcript NM_139137.4 (MANE Select); coding-DNA position 1046, T replaced by C.
Protein change: p.Val349Ala; replaces valine 349 with alanine.
Molecular consequence: missense variant. On other transcripts: non-coding transcript variant (1).
Genome position (GRCh38, 1-based): chr12:75,050,959, A>G on the plus strand (T>C on the coding strand, the complement: KCNC2 is on the minus strand). VCF-style: chr12-75050959-A-G. GRCh37 (hg19) VCF-style: chr12-75444739-A-G.
Other names: c.1046T>C, p.Val349Ala (NM_001260497.2, NM_001260498.2, NM_001260499.2 and 13 more transcripts); short protein forms V349A.
Identifiers: ClinVar variation 3365471 (VCV003365471.2).